The following is an entry in ClinVar:

NM_001242896.3(DEPDC5):c.1871-8C>G

Gene: DEPDC5 (DEP domain containing 5, GATOR1 subcomplex subunit; plus strand). Cytogenetic location: 22q12.3.
Variant type: single nucleotide variant.
Coding change: c.1871-8C>G on transcript NM_001242896.3 (MANE Select); 8 bases into the intron before coding-DNA position 1871, C replaced by G.
Molecular consequence: intron variant.
Genome position (GRCh38, 1-based): chr22:31,821,494, C>G. VCF-style: chr22-31821494-C-G. GRCh37 (hg19) VCF-style: chr22-32217480-C-G.
Other names: c.1871-8C>G (NM_001364318.2, NM_001136029.4, NM_014662.6 and 3 more transcripts); c.1870+2269C>G (NM_001364319.2, NM_001363854.2, NM_001242897.2); c.1787-8C>G (NM_001369901.1, NM_001369902.1).
Identifiers: ClinVar variation 2855199 (VCV002855199.3), dbSNP rs1197106989, ClinGen allele CA2656266545.

ClinVar aggregate classification (germline): Uncertain significance (1 of 4 stars; one submission).

Conditions:
Familial focal epilepsy with variable foci (FPEVF). Identifiers: Orphanet 98820, MedGen C1858477, MONDO:0020310.

gnomAD v4.1: 2 of 1,613,774 alleles (0.00012%); highest among the groups gnomAD compares: Non-Finnish European, 0.000085%; no homozygotes.

Submission:

Labcorp Genetics (formerly Invitae), Labcorp
Classification: Uncertain significance for Familial focal epilepsy with variable foci. Last evaluated: 2023-06-27. Review status: criteria provided, single submitter. Criteria: Invitae Variant Classification Sherloc (09022015). Collection method: clinical testing. Allele origin: germline.
Comment: In summary, the available evidence is currently insufficient to determine the role of this variant in disease. Therefore, it has been classified as a Variant of Uncertain Significance. Algorithms developed to predict the effect of sequence changes on RNA splicing suggest that this variant may disrupt the consensus splice site. This variant has not been reported in the literature in individuals affected with DEPDC5-related conditions. This variant is not present in population databases (gnomAD no frequency). This sequence change falls in intron 22 of the DEPDC5 gene. It does not directly change the encoded amino acid sequence of the DEPDC5 protein.